The following is an entry in ClinVar:

NM_001368067.1(LDB3):c.344+2T>C

Genes: LDB3 (LIM domain binding 3; plus strand), LOC110121486 (VISTA enhancer hs2143; plus strand). Cytogenetic location: 10q23.2.
Variant type: single nucleotide variant.
Coding change: c.344+2T>C on transcript NM_001368067.1 (MANE Plus Clinical); the canonical splice donor site of the intron after coding-DNA position 344, T replaced by C.
Molecular consequence: splice donor variant. On other transcripts: intron variant (7).
Genome position (GRCh38, 1-based): chr10:86,685,702, T>C. VCF-style: chr10-86685702-T-C. GRCh37 (hg19) VCF-style: chr10-88445459-T-C.
Other names: c.689+3899T>C (NM_001368064.1, NM_001368063.1, NM_007078.3 and 2 more transcripts); c.344+2T>C (NM_001368068.1, NM_001368066.1, NM_001080114.2 and 1 more transcripts); c.690-1367T>C (NM_001171610.2, NM_001171611.2).
Identifiers: ClinVar variation 464274 (VCV000464274.7), dbSNP rs1264291601, ClinGen allele CA377440990.

ClinVar aggregate classification (germline): Uncertain significance (1 of 4 stars; one submission).

Conditions:
Myofibrillar myopathy 4. Also called: Zaspopathy (type). Identifiers: Orphanet 98912, MedGen C4721886, MONDO:0012277, OMIM 609452.

Allele frequency attached by ClinVar (database versions not stated): gnomAD exomes below 0.00001.
gnomAD v4.1: 6 of 1,614,150 alleles (0.00037%); highest among the groups gnomAD compares: African/African-American, 0.0013%; no homozygotes.

Submission:

Labcorp Genetics (formerly Invitae), Labcorp
Classification: Uncertain significance for Myofibrillar myopathy 4. Last evaluated: 2025-09-15. Review status: criteria provided, single submitter. Criteria: Invitae Variant Classification Sherloc (09022015). Collection method: clinical testing. Allele origin: germline.
Comment: This sequence change affects a donor splice site in intron 4 of the LDB3 gene. It is expected to disrupt RNA splicing. Variants that disrupt the donor or acceptor splice site typically lead to a loss of protein function (PMID: 16199547), however the current clinical and genetic evidence is not sufficient to establish whether loss-of-function variants in LDB3 cause disease. This variant is present in population databases (no rsID available, gnomAD 0.007%). This variant has not been reported in the literature in individuals affected with LDB3-related conditions. ClinVar contains an entry for this variant (Variation ID: 464274). Algorithms developed to predict the effect of sequence changes on RNA splicing suggest that this variant may disrupt the consensus splice site. In summary, the available evidence is currently insufficient to determine the role of this variant in disease. Therefore, it has been classified as a Variant of Uncertain Significance.

Literature cited by the submitters: PubMed 16199547.